The following is an entry in ClinVar:

ClinVar aggregate classification (germline): Benign. Review status: criteria provided, multiple submitters, no conflicts (2 of 4 stars). 6 submissions from 6 submitters: Benign (5). 1 of the submissions does not count toward it. Last evaluated 2026-02-03.

Conditions:
Generalized epilepsy-paroxysmal dyskinesia syndrome (PNKD3). Also called: Generalized epilepsy and paroxysmal dyskinesia; Paroxysmal nonkinesigenic dyskinesia, 3, with or without generalized epilepsy. Identifiers: Orphanet 79137, MedGen C5574945, MONDO:0012276, OMIM 609446.

Allele frequency attached by ClinVar (database versions not stated): gnomAD exomes 0.00323 and 0.00806; ExAC 0.00969; gnomAD 0.03005 and 0.03213; ESP Exome Variant Server 0.03191; 1000 Genomes Project 0.03335; TOPMed 0.03439; 1000 Genomes Project 30x 0.03513.
gnomAD v4.1: 9,458 of 1,612,758 alleles (0.59%); highest among the groups gnomAD compares: African/African-American, 11%; 446 homozygotes.

Submissions (6):

Labcorp Genetics (formerly Invitae), Labcorp
Classification: Benign for Generalized epilepsy-paroxysmal dyskinesia syndrome. Last evaluated: 2026-02-03. Review status: criteria provided, single submitter. Criteria: Invitae Variant Classification Sherloc (09022015). Collection method: clinical testing. Allele origin: germline.

Mayo Clinic Laboratories, Mayo Clinic
Classification: Benign. Last evaluated: 2022-07-08. Review status: criteria provided, single submitter. Criteria: ACMG Guidelines, 2015. Collection method: clinical testing. Allele origin: germline. Observed: 8 variant alleles.

GeneDx
Classification: Benign. Last evaluated: 2018-07-21. Review status: criteria provided, single submitter. Criteria: GeneDx Variant Classification Process June 2021. Collection method: clinical testing. Allele origin: germline. Affected: yes.

Illumina Laboratory Services, Illumina
Classification: Benign for Generalized epilepsy-paroxysmal dyskinesia syndrome. Last evaluated: 2018-01-12. Review status: criteria provided, single submitter. Criteria: ICSL Variant Classification Criteria 13 December 2019. Collection method: clinical testing. Allele origin: germline.
Comment: This variant was observed in the ICSL laboratory as part of a predisposition screen in an ostensibly healthy population. It had not been previously curated by ICSL or reported in the Human Gene Mutation Database (HGMD: prior to June 1st, 2018), and was therefore a candidate for classification through an automated scoring system. Utilizing variant allele frequency, disease prevalence and penetrance estimates, and inheritance mode, an automated score was calculated to assess if this variant is too frequent to cause the disease. Based on the score and internal cut-off values, a variant classified as benign is not then subjected to further curation. The score for this variant resulted in a classification of benign for this disease.

Breakthrough Genomics
Classification: Benign. Review status: criteria provided, single submitter. Criteria: ACMG Guidelines, 2015. Collection method: not provided. Allele origin: germline. Inheritance: Autosomal recessive inheritance. Affected: yes.

Genetic Services Laboratory, University of Chicago
Classification: Likely benign for AllHighlyPenetrant. Review status: no assertion criteria provided. Collection method: clinical testing. Allele origin: germline. Inheritance: Autosomal dominant inheritance. Not counted in ClinVar's aggregate classification.
Comment: Likely benign based on allele frequency in 1000 Genomes Project or ESP global frequency and its presence in a patient with a rare or unrelated disease phenotype. NOT Sanger confirmed.

NM_001161352.2(KCNMA1):c.2710-8T>C

Genes: KCNMA1 (potassium calcium-activated channel subfamily M alpha 1; minus strand), KCNMA1-AS1 (KCNMA1 antisense RNA 1; plus strand). Cytogenetic location: 10q22.3.
Variant type: single nucleotide variant.
Coding change: c.2710-8T>C on transcript NM_001161352.2 (MANE Select); 8 bases into the intron before coding-DNA position 2710, T replaced by C.
Molecular consequence: intron variant.
Genome position (GRCh38, 1-based): chr10:76,944,973, A>G on the plus strand (T>C on the coding strand, the complement: KCNMA1 is on the minus strand). VCF-style: chr10-76944973-A-G. GRCh37 (hg19) VCF-style: chr10-78704731-A-G.
Other names: p.?; c.2386-8T>C (NM_001271518.2); c.2536-8T>C (NM_001322832.2, NM_002247.4); c.2545-8T>C (NM_001322829.2, NM_001322836.2, NM_001271519.2); c.2548-8T>C (NM_001014797.3, NM_001322835.2, NM_001322837.2); c.2557-8T>C (NM_001322830.2); c.2083-8T>C (NM_001322838.2); c.2659-8T>C (NM_001161353.2).
Identifiers: ClinVar variation 129325 (VCV000129325.23), dbSNP rs78672251, ClinGen allele CA153279.
Genomic context (GRCh38, chr10:76,944,973, plus strand): 5'-TCACAGAGGTTGATGTTGACAGCCCTTAAATCAGCCCGACTTAATGGCGTACCCTTTGGC[A>G]TAGAGGAAAGAAAAAAAAACAGAGATGGGGGGAGAAAGAGACAGAGAGAGAGAGAGAGGA-3'